The following is an entry in ClinVar:

NM_001291303.3(FAT4):c.1063T>A (p.Phe355Ile)

Gene: FAT4 (FAT atypical cadherin 4; plus strand). Cytogenetic location: 4q28.1.
Variant type: single nucleotide variant.
Coding change: c.1063T>A on transcript NM_001291303.3 (MANE Select); coding-DNA position 1063, T replaced by A.
Protein change: p.Phe355Ile; replaces phenylalanine 355 with isoleucine.
Molecular consequence: missense variant.
Genome position (GRCh38, 1-based): chr4:125,317,474, T>A. VCF-style: chr4-125317474-T-A. GRCh37 (hg19) VCF-style: chr4-126238629-T-A.
Other names: c.1063T>A, p.Phe355Ile (NM_001291285.3, NM_024582.6); short protein forms F355I.
Identifiers: ClinVar variation 1495528 (VCV001495528.6), dbSNP rs1471671726, ClinGen allele CA358117118.

ClinVar aggregate classification (germline): Uncertain significance (1 of 4 stars; one submission).

Allele frequency attached by ClinVar (database versions not stated): gnomAD exomes below 0.00001.
gnomAD v4.1: 6 of 1,613,698 alleles (0.00037%); highest among the groups gnomAD compares: Non-Finnish European, 0.00051%; no homozygotes.

Submission:

Labcorp Genetics (formerly Invitae), Labcorp
Classification: Uncertain significance. Last evaluated: 2021-12-31. Review status: criteria provided, single submitter. Criteria: Invitae Variant Classification Sherloc (09022015). Collection method: clinical testing. Allele origin: germline.
Comment: In summary, the available evidence is currently insufficient to determine the role of this variant in disease. Therefore, it has been classified as a Variant of Uncertain Significance. Advanced modeling of protein sequence and biophysical properties (such as structural, functional, and spatial information, amino acid conservation, physicochemical variation, residue mobility, and thermodynamic stability) performed at Invitae indicates that this missense variant is not expected to disrupt FAT4 protein function. This variant has not been reported in the literature in individuals affected with FAT4-related conditions. This variant is not present in population databases (gnomAD no frequency). This sequence change replaces phenylalanine, which is neutral and non-polar, with isoleucine, which is neutral and non-polar, at codon 355 of the FAT4 protein (p.Phe355Ile).